The following is an entry in ClinVar:

NM_004006.3(DMD):c.2421A>C (p.Gln807His)

Gene: DMD (dystrophin; minus strand). Cytogenetic location: Xp21.1.
Variant type: single nucleotide variant.
Coding change: c.2421A>C on transcript NM_004006.3 (MANE Select); coding-DNA position 2421, A replaced by C.
Protein change: p.Gln807His; replaces glutamine 807 with histidine.
Molecular consequence: missense variant.
Genome position (GRCh38, 1-based): chrX:32,491,478, T>G on the plus strand (A>C on the coding strand, the complement: DMD is on the minus strand). VCF-style: chrX-32491478-T-G. GRCh37 (hg19) VCF-style: chrX-32509595-T-G.
Other names: c.2397A>C, p.Gln799His (NM_000109.4); c.2409A>C, p.Gln803His (NM_004009.3); c.2052A>C, p.Gln684His (NM_004010.3); short protein forms Q684H, Q799H, Q803H, Q807H.
Identifiers: ClinVar variation 1005366 (VCV001005366.6), dbSNP rs2042991906, ClinGen allele CA412672851.

ClinVar aggregate classification (germline): Uncertain significance. Review status: criteria provided, single submitter (1 of 4 stars). 2 submissions from 2 submitters: Uncertain significance (1). 1 of the submissions does not count toward it. Last evaluated 2025-02-02.

Conditions:
Duchenne muscular dystrophy (DMD). Also called: MUSCULAR DYSTROPHY, PSEUDOHYPERTROPHIC PROGRESSIVE, DUCHENNE TYPE; Duchenne Muscular Dystrophy (DMD). Identifiers: Orphanet 98896, MedGen C0013264, MONDO:0010679, OMIM 310200.
Dystrophin deficiency.
Becker muscular dystrophy (BMD). Also called: MUSCULAR DYSTROPHY, PSEUDOHYPERTROPHIC PROGRESSIVE, BECKER TYPE; Becker Muscular Dystrophy (BMD). Identifiers: Orphanet 98895, MedGen C0917713, MONDO:0010311, OMIM 300376.
Cardiomyopathy (CMYO). Also called: Cardiomyopathies. Identifiers: Orphanet 167848, MedGen C0878544, MONDO:0004994, HP:0001638. Inheritance: Various modes of inheritance.

Allele frequency attached by ClinVar (database versions not stated): gnomAD exomes below 0.00001; TOPMed 0.00001.
gnomAD v4.1: 1 of 1,211,100 alleles (0.000083%); highest among the groups gnomAD compares: Non-Finnish European, 0.00011%; no homozygotes.

Submissions (2):

Labcorp Genetics (formerly Invitae), Labcorp
Classification: Uncertain significance for Duchenne muscular dystrophy. Last evaluated: 2025-02-02. Review status: criteria provided, single submitter. Criteria: Invitae Variant Classification Sherloc (09022015). Collection method: clinical testing. Allele origin: germline.
Comment: This sequence change replaces glutamine, which is neutral and polar, with histidine, which is basic and polar, at codon 807 of the DMD protein (p.Gln807His). This variant is not present in population databases (gnomAD no frequency). This variant has not been reported in the literature in individuals affected with DMD-related conditions. ClinVar contains an entry for this variant (Variation ID: 1005366). Invitae Evidence Modeling of protein sequence and biophysical properties (such as structural, functional, and spatial information, amino acid conservation, physicochemical variation, residue mobility, and thermodynamic stability) indicates that this missense variant is not expected to disrupt DMD protein function with a negative predictive value of 95%. In summary, the available evidence is currently insufficient to determine the role of this variant in disease. Therefore, it has been classified as a Variant of Uncertain Significance.

Natera, Inc.
Classification: Uncertain significance for Becker muscular dystrophy; Cardiomyopathy; Duchenne muscular dystrophy; Dystrophin deficiency. Last evaluated: 2018-10-17. Review status: no assertion criteria provided. Collection method: clinical testing. Allele origin: germline. Not counted in ClinVar's aggregate classification.